The following is an entry in ClinVar:

ClinVar aggregate classification (germline): Uncertain significance. Review status: criteria provided, multiple submitters, no conflicts (2 of 4 stars). 2 submissions from 2 submitters: Uncertain significance (2). Last evaluated 2025-07-09.

Conditions:
Intellectual disability-facial dysmorphism syndrome due to SETD5 haploinsufficiency (MRD23). Also called: Intellectual developmental disorder, autosomal dominant 23. Identifiers: Orphanet 404440, MedGen C3810406, MONDO:0014336, OMIM 615761.

Submissions (2):

GeneDx
Classification: Uncertain significance. Last evaluated: 2025-07-09. Review status: criteria provided, single submitter. Criteria: GeneDx Variant Classification Process June 2021. Collection method: clinical testing. Allele origin: germline.
Comment: Not observed at significant frequency in large population cohorts (gnomAD); In silico analysis suggests that this missense variant does not alter protein structure/function; Has not been previously published as pathogenic or benign to our knowledge

Baylor Genetics
Classification: Uncertain significance for Intellectual disability-facial dysmorphism syndrome due to SETD5 haploinsufficiency. Last evaluated: 2018-08-14. Review status: criteria provided, single submitter. Criteria: ACMG Guidelines, 2015. Collection method: clinical testing. Allele origin: unknown. Affected: yes.
Comment: This variant was determined to be of uncertain significance according to ACMG Guidelines, 2015 [PMID:25741868].

NM_001080517.3(SETD5):c.3368C>T (p.Pro1123Leu)

Gene: SETD5 (SET domain containing 5; plus strand). Cytogenetic location: 3p25.3.
Variant type: single nucleotide variant.
Coding change: c.3368C>T on transcript NM_001080517.3 (MANE Select); coding-DNA position 3368, C replaced by T.
Protein change: p.Pro1123Leu; replaces proline 1123 with leucine.
Molecular consequence: missense variant.
Genome position (GRCh38, 1-based): chr3:9,473,408, C>T. VCF-style: chr3-9473408-C-T. GRCh37 (hg19) VCF-style: chr3-9515092-C-T.
Other names: c.3074C>T, p.Pro1025Leu (NM_001292043.2, NM_001349451.2); short protein forms P1123L, P1025L.
Identifiers: ClinVar variation 1032605 (VCV001032605.3), dbSNP rs2045541742, ClinGen allele CA351686029.
Genomic context (GRCh38, chr3:9,473,408, plus strand): 5'-GCAGTAACTCCGTTTCCGACACTGGTGCCCATGGTGTGCAGGGATCCTCAGCCCGAACTC[C>T]ATCTTCCCCTCACAAAAAATTCTCCCCATCTCATTCCTCTATGTCCCATTTGGAGGCGGT-3'
Protein context (NP_001073986.1, residues 1113-1133): HGVQGSSART[Pro1123Leu]SSPHKKFSPS